The following is an entry in ClinVar:

ClinVar aggregate classification (germline): Uncertain significance. Review status: criteria provided, multiple submitters, no conflicts (2 of 4 stars). 2 submissions from 2 submitters: Uncertain significance (2). Last evaluated 2024-07-02.

Conditions:
Inborn genetic diseases. Identifiers: MedGen C0950123, MeSH D030342.
Hereditary spastic paraplegia 11. Also called: Nakamura Osame syndrome; Autosomal recessive hereditary spastic paraplegia, mental impairment, and thin corpus callosum; Spastic paraplegia, mental retardation and thin corpus callosum; SPASTIC PARAPLEGIA, AUTOSOMAL RECESSIVE, COMPLICATED, WITH THIN CORPUS CALLOSUM; SPASTIC PARAPLEGIA, AUTOSOMAL RECESSIVE, WITH MENTAL IMPAIRMENT AND THIN CORPUS CALLOSUM; Spastic Paraplegia 11. Identifiers: Orphanet 2822, MedGen C1858479, MONDO:0011445, OMIM 604360.

Allele frequency attached by ClinVar (database versions not stated): gnomAD exomes below 0.00001; ExAC 0.00001.
gnomAD v4.1: 7 of 1,614,076 alleles (0.00043%); highest among the groups gnomAD compares: Non-Finnish European, 0.00051%; no homozygotes.

Submissions (2):

Ambry Genetics
Classification: Uncertain significance for Inborn genetic diseases. Last evaluated: 2024-07-02. Review status: criteria provided, single submitter. Criteria: Ambry Variant Classification Scheme 2023. Collection method: clinical testing. Allele origin: germline.

Labcorp Genetics (formerly Invitae), Labcorp
Classification: Uncertain significance for Hereditary spastic paraplegia 11. Last evaluated: 2020-08-14. Review status: criteria provided, single submitter. Criteria: Invitae Variant Classification Sherloc (09022015). Collection method: clinical testing. Allele origin: germline.
Comment: In summary, the available evidence is currently insufficient to determine the role of this variant in disease. Therefore, it has been classified as a Variant of Uncertain Significance. Algorithms developed to predict the effect of missense changes on protein structure and function are either unavailable or do not agree on the potential impact of this missense change (SIFT: "Deleterious"; PolyPhen-2: "Possibly Damaging"; Align-GVGD: "Class C0"). This variant has not been reported in the literature in individuals with SPG11-related conditions. This variant is present in population databases (rs771827244, ExAC 0.002%). This sequence change replaces glutamic acid with glycine at codon 2154 of the SPG11 protein (p.Glu2154Gly). The glutamic acid residue is moderately conserved and there is a moderate physicochemical difference between glutamic acid and glycine.

NM_025137.4(SPG11):c.6461A>G (p.Glu2154Gly)

Gene: SPG11 (SPG11 vesicle trafficking associated, spatacsin; minus strand). Cytogenetic location: 15q21.1.
Variant type: single nucleotide variant.
Coding change: c.6461A>G on transcript NM_025137.4 (MANE Select); coding-DNA position 6461, A replaced by G.
Protein change: p.Glu2154Gly; replaces glutamic acid 2154 with glycine.
Molecular consequence: missense variant.
Genome position (GRCh38, 1-based): chr15:44,570,541, T>C on the plus strand (A>G on the coding strand, the complement: SPG11 is on the minus strand). VCF-style: chr15-44570541-T-C. GRCh37 (hg19) VCF-style: chr15-44862739-T-C.
Other names: c.6122A>G, p.Glu2041Gly (NM_001160227.2); c.6461A>G (NM_025137.3); short protein forms E2041G, E2154G.
Identifiers: ClinVar variation 1057507 (VCV001057507.10), dbSNP rs771827244, ClinGen allele CA7534125.